The following is an entry in ClinVar:

NM_007144.3(PCGF2):c.991C>G (p.Arg331Gly)

Genes: CISD3 (CDGSH iron sulfur domain 3; plus strand), PCGF2 (polycomb group ring finger 2; minus strand). Cytogenetic location: 17q12.
Variant type: single nucleotide variant.
Coding change: c.991C>G on transcript NM_007144.3 (MANE Select); coding-DNA position 991, C replaced by G.
Protein change: p.Arg331Gly; replaces arginine 331 with glycine.
Molecular consequence: missense variant. On other transcripts: 3 prime UTR variant (1).
Genome position (GRCh38, 1-based): chr17:38,735,267, G>C on the plus strand (C>G on the coding strand, the complement: PCGF2 is on the minus strand). VCF-style: chr17-38735267-G-C. GRCh37 (hg19) VCF-style: chr17-36891520-G-C.
Other names: c.*1812G>C (NM_001136498.2); c.991C>G, p.Arg331Gly (NM_001369614.1, NM_001369615.1); short protein forms R331G.
Identifiers: ClinVar variation 2034727 (VCV002034727.4), dbSNP rs1906600599, ClinGen allele CA398819418.

ClinVar aggregate classification (germline): Uncertain significance (1 of 4 stars; one submission).

Submission:

Labcorp Genetics (formerly Invitae), Labcorp
Classification: Uncertain significance. Last evaluated: 2023-11-27. Review status: criteria provided, single submitter. Criteria: Invitae Variant Classification Sherloc (09022015). Collection method: clinical testing. Allele origin: germline.
Comment: This sequence change replaces arginine, which is basic and polar, with glycine, which is neutral and non-polar, at codon 331 of the PCGF2 protein (p.Arg331Gly). This variant is not present in population databases (gnomAD no frequency). This variant has not been reported in the literature in individuals affected with PCGF2-related conditions. ClinVar contains an entry for this variant (Variation ID: 2034727). An algorithm developed to predict the effect of missense changes on protein structure and function (PolyPhen-2) suggests that this variant is likely to be tolerated. In summary, the available evidence is currently insufficient to determine the role of this variant in disease. Therefore, it has been classified as a Variant of Uncertain Significance.